The following is an entry in ClinVar:

NM_014846.4(WASHC5):c.1749A>C (p.Arg583Ser)

Gene: WASHC5 (WASH complex subunit 5; minus strand). Cytogenetic location: 8q24.13.
Variant type: single nucleotide variant.
Coding change: c.1749A>C on transcript NM_014846.4 (MANE Select); coding-DNA position 1749, A replaced by C.
Protein change: p.Arg583Ser; replaces arginine 583 with serine.
Molecular consequence: missense variant.
Genome position (GRCh38, 1-based): chr8:125,059,237, T>G on the plus strand (A>C on the coding strand, the complement: WASHC5 is on the minus strand). VCF-style: chr8-125059237-T-G. GRCh37 (hg19) VCF-style: chr8-126071479-T-G.
Other names: c.1305A>C, p.Arg435Ser (NM_001330609.2); short protein forms R435S, R583S.
Identifiers: ClinVar variation 2136707 (VCV002136707.4), dbSNP rs2537341400, ClinGen allele CA372191698.

ClinVar aggregate classification (germline): Uncertain significance (1 of 4 stars; one submission).

Conditions:
Hereditary spastic paraplegia 8 (SPG8). Also called: SPASTIC PARAPLEGIA 8, AUTOSOMAL DOMINANT. Identifiers: Orphanet 100989, MedGen C1863704, MONDO:0011339, OMIM 603563.
Ritscher-Schinzel syndrome. Also called: CRANIOCEREBELLOCARDIAC DYSPLASIA. Identifiers: Orphanet 7, MedGen C0796137, MONDO:0019078.

Submission:

Labcorp Genetics (formerly Invitae), Labcorp
Classification: Uncertain significance for Ritscher-Schinzel syndrome; Hereditary spastic paraplegia 8. Last evaluated: 2022-06-11. Review status: criteria provided, single submitter. Criteria: Invitae Variant Classification Sherloc (09022015). Collection method: clinical testing. Allele origin: germline.
Comment: In summary, the available evidence is currently insufficient to determine the role of this variant in disease. Therefore, it has been classified as a Variant of Uncertain Significance. Algorithms developed to predict the effect of missense changes on protein structure and function are either unavailable or do not agree on the potential impact of this missense change (SIFT: "Deleterious"; PolyPhen-2: "Possibly Damaging"; Align-GVGD: "Class C0"). This missense change has been observed in individuals with hereditary spastic paraplegia (PMID: 24451228; Invitae). This variant is not present in population databases (gnomAD no frequency). This sequence change replaces arginine, which is basic and polar, with serine, which is neutral and polar, at codon 583 of the WASHC5 protein (p.Arg583Ser).

Literature cited by the submitters: PubMed 24451228.